The following is an entry in ClinVar:

NM_018417.6(ADCY10):c.4072G>T (p.Val1358Leu)

Gene: ADCY10 (adenylate cyclase 10; minus strand). Cytogenetic location: 1q24.2.
Variant type: single nucleotide variant.
Coding change: c.4072G>T on transcript NM_018417.6 (MANE Select); coding-DNA position 4072, G replaced by T.
Protein change: p.Val1358Leu; replaces valine 1358 with leucine.
Molecular consequence: missense variant.
Genome position (GRCh38, 1-based): chr1:167,823,104, C>A on the plus strand (G>T on the coding strand, the complement: ADCY10 is on the minus strand). VCF-style: chr1-167823104-C-A. GRCh37 (hg19) VCF-style: chr1-167792342-C-A.
Other names: c.3613G>T, p.Val1205Leu (NM_001167749.3); c.3796G>T, p.Val1266Leu (NM_001297772.2); short protein forms V1205L, V1266L, V1358L.
Identifiers: ClinVar variation 743229 (VCV000743229.10), dbSNP rs148814511, ClinGen allele CA1227151.

ClinVar aggregate classification (germline): Likely benign. Review status: criteria provided, multiple submitters, no conflicts (2 of 4 stars). 3 submissions from 3 submitters: Likely benign (3). Last evaluated 2025-12-23.

Conditions:
ADCY10-related disorder. Also called: ADCY10-related condition.

Allele frequency attached by ClinVar (database versions not stated): 1000 Genomes Project 0.00020; gnomAD exomes 0.00024; ExAC 0.00030; 1000 Genomes Project 30x 0.00031; ESP Exome Variant Server 0.00100; TOPMed 0.00126; gnomAD 0.00131 and 0.00142.
gnomAD v4.1: 355 of 1,614,130 alleles (0.022%); highest among the groups gnomAD compares: African/African-American, 0.41%; 1 homozygote.

Submissions (3):

Labcorp Genetics (formerly Invitae), Labcorp
Classification: Likely benign. Last evaluated: 2025-12-23. Review status: criteria provided, single submitter. Criteria: Invitae Variant Classification Sherloc (09022015). Collection method: clinical testing. Allele origin: germline.

PreventionGenetics, part of Exact Sciences
Classification: Likely benign for ADCY10-related condition. Last evaluated: 2024-12-04. Review status: criteria provided, single submitter. Criteria: ACMG Guidelines, 2015. Collection method: clinical testing. Allele origin: germline.
Comment: This variant is classified as likely benign based on ACMG/AMP sequence variant interpretation guidelines (Richards et al. 2015 PMID: 25741868, with internal and published modifications).

Breakthrough Genomics
Classification: Likely benign. Review status: criteria provided, single submitter. Criteria: ACMG Guidelines, 2015. Collection method: not provided. Allele origin: germline. Inheritance: Autosomal dominant inheritance. Affected: yes.